The following is an entry in ClinVar:

NM_001165963.4(SCN1A):c.3480C>T (p.Gly1160=)

Genes: SCN1A (sodium voltage-gated channel alpha subunit 1; minus strand), LOC102724058 (uncharacterized LOC102724058; plus strand). Cytogenetic location: 2q24.3.
Variant type: single nucleotide variant.
Coding change: c.3480C>T on transcript NM_001165963.4 (MANE Select); coding-DNA position 3480, C replaced by T.
Protein change: p.Gly1160=; no amino-acid change (glycine 1160 retained).
Molecular consequence: synonymous variant. On other transcripts: non-coding transcript variant (2).
Genome position (GRCh38, 1-based): chr2:166,015,677, G>A on the plus strand (C>T on the coding strand, the complement: SCN1A is on the minus strand). VCF-style: chr2-166015677-G-A. GRCh37 (hg19) VCF-style: chr2-166872187-G-A.
Other names: c.3396C>T, p.Gly1132= (NM_001165964.3, NM_001353957.2, NM_001353958.2); c.3480C>T, p.Gly1160= (NM_001202435.3, NM_001353948.2); c.3447C>T, p.Gly1149= (NM_001353949.2, NM_001353950.2, NM_001353951.2 and 2 more transcripts); c.3444C>T, p.Gly1148= (NM_001353954.2, NM_001353955.2); c.3393C>T, p.Gly1131= (NM_001353960.2); c.1038C>T, p.Gly346= (NM_001353961.2); c.3480C>T (NM_001202435.1).
Identifiers: ClinVar variation 384874 (VCV000384874.16), dbSNP rs369594817, ClinGen allele CA1942945.

ClinVar aggregate classification (germline): Likely benign. Review status: criteria provided, multiple submitters, no conflicts (2 of 4 stars). 4 submissions from 4 submitters: Likely benign (3). 1 of the submissions does not count toward it. Last evaluated 2025-10-21.

Conditions:
Early-infantile DEE. Also called: Ohtahara syndrome; Early infantile epileptic encephalopathy with suppression bursts; Early infantile epileptic encephalopathy. Identifiers: Orphanet 1934, MedGen C0393706, MONDO:0800491.
SCN1A-related disorder. Also called: SCN1A-related disorders; SCN1A-related conditions; SCN1A-related condition.

Allele frequency attached by ClinVar (database versions not stated): TOPMed 0.00009; ExAC 0.00004; ESP Exome Variant Server 0.00008.
gnomAD v4.1: 50 of 1,612,698 alleles (0.0031%); highest among the groups gnomAD compares: African/African-American, 0.032%; no homozygotes.

Submissions (4):

Labcorp Genetics (formerly Invitae), Labcorp
Classification: Likely benign for Early-infantile DEE. Last evaluated: 2025-10-21. Review status: criteria provided, single submitter. Criteria: Invitae Variant Classification Sherloc (09022015). Collection method: clinical testing. Allele origin: germline.

Blueprint Genetics
Classification: Likely benign. Last evaluated: 2024-05-18. Review status: criteria provided, single submitter. Criteria: ACMG Guidelines, 2015. Collection method: clinical testing. Allele origin: germline.

GeneDx
Classification: Likely benign. Last evaluated: 2021-02-08. Review status: criteria provided, single submitter. Criteria: GeneDx Variant Classification Process June 2021. Collection method: clinical testing. Allele origin: germline. Affected: yes.

PreventionGenetics, part of Exact Sciences
Classification: Likely benign for SCN1A-related condition. Last evaluated: 2023-12-04. Review status: no assertion criteria provided. Collection method: clinical testing. Allele origin: germline. Not counted in ClinVar's aggregate classification.
Comment: This variant is classified as likely benign based on ACMG/AMP sequence variant interpretation guidelines (Richards et al. 2015 PMID: 25741868, with internal and published modifications).